The following is an entry in ClinVar:

ClinVar aggregate classification (germline): Uncertain significance (1 of 4 stars; one submission).

Conditions:
Neurofibromatosis, type 1 (NF1). Also called: Peripheral type neurofibromatosis; VON RECKLINGHAUSEN DISEASE; NEUROFIBROMATOSIS, TYPE I, SOMATIC; Neurofibromatosis, type I. Identifiers: Orphanet 636, MedGen C0027831, MONDO:0018975, OMIM 162200. Disease mechanism: loss of function.

Submission:

Labcorp Genetics (formerly Invitae), Labcorp
Classification: Uncertain significance for Neurofibromatosis, type 1. Last evaluated: 2022-02-08. Review status: criteria provided, single submitter. Criteria: Invitae Variant Classification Sherloc (09022015). Collection method: clinical testing. Allele origin: germline.
Comment: In summary, the available evidence is currently insufficient to determine the role of this variant in disease. Therefore, it has been classified as a Variant of Uncertain Significance. This variant has not been reported in the literature in individuals affected with NF1-related conditions. This variant results in a copy number gain of the genomic region encompassing exon(s) 1-17 of the NF1 gene. This region includes the initiator codon of the gene. This copy number gain extends beyond the assayed region for this gene and therefore may encompass additional genes. As the precise location of this event is unknown, it may be in tandem or it may be located elsewhere in the genome.

NC_000017.10:g.(?_29422055)_(29552288_?)dup

Gene: NF1 (neurofibromin 1; plus strand). Cytogenetic location: 17q11.2.
Variant type: Duplication.
Identifiers: ClinVar variation 2422733 (VCV002422733.4).